The following is an entry in ClinVar:

NM_001267550.2(TTN):c.18103G>A (p.Val6035Met)

Gene: TTN (titin; minus strand). Cytogenetic location: 2q31.2.
Variant type: single nucleotide variant.
Coding change: c.18103G>A on transcript NM_001267550.2 (MANE Select); coding-DNA position 18103, G replaced by A.
Protein change: p.Val6035Met; replaces valine 6035 with methionine.
Molecular consequence: missense variant. On other transcripts: intron variant (3).
Genome position (GRCh38, 1-based): chr2:178,730,297, C>T on the plus strand (G>A on the coding strand, the complement: TTN is on the minus strand). VCF-style: chr2-178730297-C-T. GRCh37 (hg19) VCF-style: chr2-179595024-C-T.
Other names: c.17152G>A, p.Val5718Met (NM_001256850.1); c.14371G>A, p.Val4791Met (NM_133378.4); c.13282+7785G>A (NM_003319.4); c.13858+7785G>A (NM_133437.4); c.13657+7785G>A (NM_133432.3); short protein forms V4791M, V5718M, V6035M.
Identifiers: ClinVar variation 3253426 (VCV003253426.1), dbSNP rs909868763.

ClinVar aggregate classification (germline): Uncertain significance (1 of 4 stars; one submission).

Allele frequency attached by ClinVar (database versions not stated): TOPMed 0.00001.
gnomAD v4.1: 2 of 1,612,004 alleles (0.00012%); highest among the groups gnomAD compares: Middle Eastern, 0.017%; no homozygotes.

Submission:

GeneDx
Classification: Uncertain significance. Last evaluated: 2024-04-22. Review status: criteria provided, single submitter. Criteria: GeneDx Variant Classification Process June 2021. Collection method: clinical testing. Allele origin: germline. Affected: yes.
Comment: Not observed at significant frequency in large population cohorts (gnomAD); Missense variant in a gene in which most reported pathogenic variants are truncating/loss of function; Has not been previously published as pathogenic or benign to our knowledge